The following is an entry in ClinVar:

NM_152703.5(SAMD9L):c.2463T>A (p.Val821=)

Gene: SAMD9L (sterile alpha motif domain containing 9 like; minus strand). Cytogenetic location: 7q21.2.
Variant type: single nucleotide variant.
Coding change: c.2463T>A on transcript NM_152703.5 (MANE Select); coding-DNA position 2463, T replaced by A.
Protein change: p.Val821=; no amino-acid change (valine 821 retained).
Molecular consequence: synonymous variant.
Genome position (GRCh38, 1-based): chr7:93,133,509, A>T on the plus strand (T>A on the coding strand, the complement: SAMD9L is on the minus strand). VCF-style: chr7-93133509-A-T. GRCh37 (hg19) VCF-style: chr7-92762822-A-T.
Other names: c.2463T>A, p.Val821= (NM_001303496.3, NM_001303497.3, NM_001303498.3 and 5 more transcripts); c.2463T>A (NM_152703.3, NM_152703.2).
Identifiers: ClinVar variation 2888027 (VCV002888027.6), dbSNP rs755613360, ClinGen allele CA4343584.

ClinVar aggregate classification (germline): Likely benign. Review status: criteria provided, multiple submitters, no conflicts (2 of 4 stars). 3 submissions from 3 submitters: Likely benign (2). 1 of the submissions does not count toward it. Last evaluated 2025-10-06.

Conditions:
Inborn genetic diseases. Identifiers: MedGen C0950123, MeSH D030342.
SAMD9L-related disorder. Also called: SAMD9L-related disorders; SAMD9L-related condition.

Allele frequency attached by ClinVar (database versions not stated): ExAC 0.00001; gnomAD exomes 0.00001; TOPMed 0.00001.
gnomAD v4.1: 6 of 1,613,056 alleles (0.00037%); highest among the groups gnomAD compares: Admixed American, 0.0084%; no homozygotes.

Submissions (3):

Labcorp Genetics (formerly Invitae), Labcorp
Classification: Likely benign. Last evaluated: 2025-10-06. Review status: criteria provided, single submitter. Criteria: Invitae Variant Classification Sherloc (09022015). Collection method: clinical testing. Allele origin: germline.

Ambry Genetics
Classification: Likely benign for Inborn genetic diseases. Last evaluated: 2025-05-31. Review status: criteria provided, single submitter. Criteria: Ambry Variant Classification Scheme 2023. Collection method: clinical testing. Allele origin: germline.

PreventionGenetics, part of Exact Sciences
Classification: Likely benign for SAMD9L-related condition. Last evaluated: 2021-12-30. Review status: no assertion criteria provided. Collection method: clinical testing. Allele origin: germline. Not counted in ClinVar's aggregate classification.
Comment: This variant is classified as likely benign based on ACMG/AMP sequence variant interpretation guidelines (Richards et al. 2015 PMID: 25741868, with internal and published modifications).